The following is an entry in ClinVar:

NM_152703.5(SAMD9L):c.3157A>C (p.Thr1053Pro)

Gene: SAMD9L (sterile alpha motif domain containing 9 like; minus strand). Cytogenetic location: 7q21.2.
Variant type: single nucleotide variant.
Coding change: c.3157A>C on transcript NM_152703.5 (MANE Select); coding-DNA position 3157, A replaced by C.
Protein change: p.Thr1053Pro; replaces threonine 1053 with proline.
Molecular consequence: missense variant.
Genome position (GRCh38, 1-based): chr7:93,132,815, T>G on the plus strand (A>C on the coding strand, the complement: SAMD9L is on the minus strand). VCF-style: chr7-93132815-T-G. GRCh37 (hg19) VCF-style: chr7-92762128-T-G.
Other names: c.3157A>C, p.Thr1053Pro (NM_001303496.3, NM_001303497.3, NM_001303498.3 and 5 more transcripts); short protein forms T1053P.
Identifiers: ClinVar variation 3949927 (VCV003949927.1).

ClinVar aggregate classification (germline): Uncertain significance (1 of 4 stars; one submission).

Conditions:
Inborn genetic diseases. Identifiers: MedGen C0950123, MeSH D030342.

Submission:

Ambry Genetics
Classification: Uncertain significance for Inborn genetic diseases. Last evaluated: 2025-05-17. Review status: criteria provided, single submitter. Criteria: Ambry Variant Classification Scheme 2023. Collection method: clinical testing. Allele origin: germline.
Comment: The p.T1053P variant (also known as c.3157A>C), located in coding exon 1 of the SAMD9L gene, results from an A to C substitution at nucleotide position 3157. The threonine at codon 1053 is replaced by proline, an amino acid with highly similar properties. This amino acid position is conserved. In addition, this alteration is predicted to be tolerated by in silico analysis. Based on the available evidence, the clinical significance of this variant remains unclear.